The following is an entry in ClinVar:

ClinVar aggregate classification (germline): Pathogenic (1 of 4 stars; one submission).

Conditions:
Fanconi anemia complementation group O. Also called: RAD51C-Related Fanconi Anemia. Identifiers: Orphanet 84, MedGen C3150653, MONDO:0013248, OMIM 613390.

Submission:

Labcorp Genetics (formerly Invitae), Labcorp
Classification: Pathogenic for Fanconi anemia complementation group O. Last evaluated: 2017-12-29. Review status: criteria provided, single submitter. Criteria: Invitae Variant Classification Sherloc (09022015). Collection method: clinical testing. Allele origin: germline.
Comment: A gross deletion of the genomic region encompassing the full coding sequence of the RAD51C gene has been identified. The boundaries of this event are unknown as the deletion extends beyond the assayed region for this gene and therefore may encompass additional genes. This variant has not been reported in the literature in individuals with RAD51C-related disease. Loss-of-function variants in RAD51C are known to be pathogenic (PMID: 20400964, 21990120, 24800917). For these reasons, this variant has been classified as Pathogenic.

NC_000017.11:g.(?_58692638)_(58734228_?)del

Genes: RAD51C (RAD51 paralog C; plus strand), LOC129390903 (MPRA-validated peak2919 silencer; plus strand), LOC130061310 (ATAC-STARR-seq lymphoblastoid active region 12491; plus strand), LOC130061311 (ATAC-STARR-seq lymphoblastoid active region 12492; plus strand). Cytogenetic location: 17q22.
Variant type: Deletion.
Identifiers: ClinVar variation 471421 (VCV000471421.1).